The following is an entry in ClinVar:

NM_004281.4(BAG3):c.1599C>A (p.Asp533Glu)

Gene: BAG3 (BAG cochaperone 3; plus strand). Cytogenetic location: 10q26.11.
Variant type: single nucleotide variant.
Coding change: c.1599C>A on transcript NM_004281.4 (MANE Select); coding-DNA position 1599, C replaced by A.
Protein change: p.Asp533Glu; replaces aspartic acid 533 with glutamic acid.
Molecular consequence: missense variant.
Genome position (GRCh38, 1-based): chr10:119,677,153, C>A. VCF-style: chr10-119677153-C-A. GRCh37 (hg19) VCF-style: chr10-121436665-C-A.
Other names: short protein forms D533E.
Identifiers: ClinVar variation 573684 (VCV000573684.8), dbSNP rs749576988, ClinGen allele CA378297667.
Genomic context (GRCh38, chr10:119,677,153, plus strand): 5'-CAACCTTGAAGCAGATCAGCCACTGCAGGCAATCATGGAGATGGGTGCCGTGGCAGCAGA[C>A]AAGGGCAAGAAAAATGCTGGAAATGCAGAAGATCCCCACACAGAAACCCAGCAGCCAGAA-3'
Protein context (NP_004272.2, residues 523-543): AIMEMGAVAA[Asp533Glu]KGKKNAGNAE

ClinVar aggregate classification (germline): Uncertain significance (1 of 4 stars; one submission).

Conditions:
Myofibrillar myopathy 6. Identifiers: Orphanet 199340, MedGen C2751831, MONDO:0013061, OMIM 612954.
Dilated cardiomyopathy 1HH (CMD1HH). Identifiers: Orphanet 154, MedGen C3151293, MONDO:0013479, OMIM 613881.

Submission:

Labcorp Genetics (formerly Invitae), Labcorp
Classification: Uncertain significance for Dilated cardiomyopathy 1HH; Myofibrillar myopathy 6. Last evaluated: 2022-03-09. Review status: criteria provided, single submitter. Criteria: Invitae Variant Classification Sherloc (09022015). Collection method: clinical testing. Allele origin: germline.
Comment: In summary, the available evidence is currently insufficient to determine the role of this variant in disease. Therefore, it has been classified as a Variant of Uncertain Significance. Algorithms developed to predict the effect of missense changes on protein structure and function are either unavailable or do not agree on the potential impact of this missense change (SIFT: "Tolerated"; PolyPhen-2: "Not Available"; Align-GVGD: "Class C0"). ClinVar contains an entry for this variant (Variation ID: 573684). This variant has not been reported in the literature in individuals affected with BAG3-related conditions. This variant is not present in population databases (gnomAD no frequency). This sequence change replaces aspartic acid, which is acidic and polar, with glutamic acid, which is acidic and polar, at codon 533 of the BAG3 protein (p.Asp533Glu).